The following is an entry in ClinVar:

NM_000268.4(NF2):c.372G>T (p.Lys124Asn)

Gene: NF2 (NF2, moesin-ezrin-radixin like (MERLIN) tumor suppressor; plus strand). Cytogenetic location: 22q12.2.
Variant type: single nucleotide variant.
Coding change: c.372G>T on transcript NM_000268.4 (MANE Select); coding-DNA position 372, G replaced by T.
Protein change: p.Lys124Asn; replaces lysine 124 with asparagine.
Molecular consequence: missense variant. On other transcripts: non-coding transcript variant (1).
Genome position (GRCh38, 1-based): chr22:29,642,210, G>T. VCF-style: chr22-29642210-G-T. GRCh37 (hg19) VCF-style: chr22-30038199-G-T.
Other names: c.372G>T, p.Lys124Asn (NM_016418.5, NM_181825.3, NM_181832.3 and 1 more transcripts); c.246G>T, p.Lys82Asn (NM_181828.3); c.249G>T, p.Lys83Asn (NM_181829.3); c.123G>T, p.Lys41Asn (NM_181830.3, NM_181831.3); short protein forms K83N, K124N, K41N, K82N.
Identifiers: ClinVar variation 1386769 (VCV001386769.6), dbSNP rs1270877164, ClinGen allele CA411153729.

ClinVar aggregate classification (germline): Uncertain significance (1 of 4 stars; one submission).

Conditions:
Neurofibromatosis, type 2 (SWNV). Also called: BILATERAL ACOUSTIC NEUROFIBROMATOSIS; NF2-Related Schwannomatosis; SCHWANNOMATOSIS, VESTIBULAR. Identifiers: Orphanet 637, MedGen C0027832, MONDO:0007039, OMIM 101000. Disease mechanism: loss of function.

Submission:

Labcorp Genetics (formerly Invitae), Labcorp
Classification: Uncertain significance for Neurofibromatosis, type 2. Last evaluated: 2021-10-13. Review status: criteria provided, single submitter. Criteria: Invitae Variant Classification Sherloc (09022015). Collection method: clinical testing. Allele origin: germline.
Comment: This sequence change replaces lysine with asparagine at codon 124 of the NF2 protein (p.Lys124Asn). The lysine residue is highly conserved and there is a moderate physicochemical difference between lysine and asparagine. This variant is not present in population databases (ExAC no frequency). This variant has not been reported in the literature in individuals affected with NF2-related conditions. Algorithms developed to predict the effect of missense changes on protein structure and function are either unavailable or do not agree on the potential impact of this missense change (SIFT: "Deleterious"; PolyPhen-2: "Probably Damaging"; Align-GVGD: "Class C0"). In summary, the available evidence is currently insufficient to determine the role of this variant in disease. Therefore, it has been classified as a Variant of Uncertain Significance.